The following is an entry in ClinVar:

ClinVar aggregate classification (germline): Pathogenic (1 of 4 stars; one submission).

Conditions:
Joubert syndrome. Also called: CEREBELLOPARENCHYMAL DISORDER IV; JOUBERT-BOLTSHAUSER SYNDROME; Familial aplasia of the vermis. Identifiers: Orphanet 475, MedGen C5979921, MONDO:0018772.
Meckel-Gruber syndrome. Also called: DYSENCEPHALIA SPLANCHNOCYSTICA; GRUBER SYNDROME; Dysencephalia splachnocystica. Identifiers: Orphanet 564, MedGen C0265215, MONDO:0018921.

gnomAD v4.1: 1 of 1,613,062 alleles (0.000062%); highest among the groups gnomAD compares: East Asian, 0.0022%; no homozygotes.

Submission:

Labcorp Genetics (formerly Invitae), Labcorp
Classification: Pathogenic for Joubert syndrome; Meckel-Gruber syndrome. Last evaluated: 2021-02-03. Review status: criteria provided, single submitter. Criteria: Invitae Variant Classification Sherloc (09022015). Collection method: clinical testing. Allele origin: germline.
Comment: This variant has not been reported in the literature in individuals with RPGRIP1L-related conditions. For these reasons, this variant has been classified as Pathogenic. This sequence change creates a premature translational stop signal (p.Gln330*) in the RPGRIP1L gene. It is expected to result in an absent or disrupted protein product. Loss-of-function variants in RPGRIP1L are known to be pathogenic (PMID: 17558409). This variant is not present in population databases (ExAC no frequency).

Literature cited by the submitters: PubMed 17558409.

NM_015272.5(RPGRIP1L):c.988C>T (p.Gln330Ter)

Gene: RPGRIP1L (RPGRIP1 like; minus strand). Cytogenetic location: 16q12.2.
Variant type: single nucleotide variant.
Coding change: c.988C>T on transcript NM_015272.5 (MANE Select); coding-DNA position 988, C replaced by T.
Protein change: p.Gln330Ter; replaces glutamine 330 with a stop codon.
Molecular consequence: nonsense.
Genome position (GRCh38, 1-based): chr16:53,672,911, G>A on the plus strand (C>T on the coding strand, the complement: RPGRIP1L is on the minus strand). VCF-style: chr16-53672911-G-A. GRCh37 (hg19) VCF-style: chr16-53706823-G-A.
Other names: c.988C>T, p.Gln330Ter (NM_001127897.4, NM_001308334.3, NM_001330538.2); short protein forms Q330*.
Identifiers: ClinVar variation 1384547 (VCV001384547.6), dbSNP rs771058410, ClinGen allele CA395922815.
Genomic context (GRCh38, chr16:53,672,911, plus strand): 5'-AAACTCTTTGGGAGCTTACCTCTTCTATTCTTCTTTCAGAAAACTTCATAGAATGTAATT[G>A]TTTCTCAAGACTGCAGCATTTTAAACGCTGCTCTTTAAGTTGCATGTTTAATTCATCCCC-3'